The following is an entry in ClinVar:

NM_018979.4(WNK1):c.277C>G (p.Leu93Val)

Gene: WNK1 (WNK lysine deficient protein kinase 1; plus strand). Cytogenetic location: 12p13.33.
Variant type: single nucleotide variant.
Coding change: c.277C>G on transcript NM_018979.4 (MANE Select); coding-DNA position 277, C replaced by G.
Protein change: p.Leu93Val; replaces leucine 93 with valine.
Molecular consequence: missense variant.
Genome position (GRCh38, 1-based): chr12:753,842, C>G. VCF-style: chr12-753842-C-G. GRCh37 (hg19) VCF-style: chr12-863008-C-G.
Other names: c.277C>G, p.Leu93Val (NM_001184985.2, NM_014823.3, NM_213655.5); short protein forms L93V.
Identifiers: ClinVar variation 1049001 (VCV001049001.1), dbSNP rs766628142, ClinGen allele CA383304555.
Genomic context (GRCh38, chr12:753,842, plus strand): 5'-ACCACCACTGAGCACCGCTTCTTCCGCCGGAGCGTCATCTGTGACTCCAATGCCACTGCA[C>G]TGGAGCTTCCCGGCCTTCCTCTTTCCCTGCCCCAGCCCAGCATCCCCGCGGCTGTCCCGC-3'
Protein context (NP_061852.3, residues 83-103): SVICDSNATA[Leu93Val]ELPGLPLSLP

ClinVar aggregate classification (germline): Uncertain significance (0 of 4 stars; one submission).

Submission:

Department of Pathology and Laboratory Medicine, Sinai Health System
Classification: Uncertain significance. Review status: no assertion criteria provided. Collection method: clinical testing. Allele origin: unknown. Affected: yes. Study: The Canadian Open Genetics Repository (COGR).
Comment: The WNK1 p.L93V variant was not identified in the literature nor was it identified in ClinVar, dbSNP or in the following control databases: the 1000 Genomes Project, the NHLBI GO Exome Sequencing Project, or the Genome Aggregation Database (March 6, 2019, v2.1.1). The p.L93 residue is conserved in mammals and computational analyses (MUT Assesor, SIFT, MutationTaster, Revel, FATHMM, MetaLR, DANN) provide inconsistent predictions regarding the impact to the protein; this information is not very predictive of pathogenicity. The variant occurs outside of the splicing consensus sequence and in silico or computational prediction software programs (Splice AI exome) do not predict a difference in splicing. In summary, based on the above information the clinical significance of this variant cannot be determined with certainty at this time. This variant is classified as a variant of uncertain significance.